The following is an entry in ClinVar:

ClinVar aggregate classification (germline): Benign. Review status: criteria provided, multiple submitters, no conflicts (2 of 4 stars). 2 submissions from 2 submitters: Benign (2). Last evaluated 2018-06-20.

Allele frequency attached by ClinVar (database versions not stated): 1000 Genomes Project 30x 0.50219; 1000 Genomes Project 0.50998; TOPMed 0.55346; gnomAD 0.56475 and 0.56851; gnomAD exomes 0.67613.
gnomAD v4.1: 729,093 of 1,102,578 alleles (66%); highest among the groups gnomAD compares: Middle Eastern, 76%; 247,481 homozygotes.

Submissions (2):

GeneDx
Classification: Benign. Last evaluated: 2018-06-20. Review status: criteria provided, single submitter. Criteria: GeneDx Variant Classification (06012015). Collection method: clinical testing. Allele origin: germline. Affected: yes.
Comment: This variant is considered likely benign or benign based on one or more of the following criteria: it is a conservative change, it occurs at a poorly conserved position in the protein, it is predicted to be benign by multiple in silico algorithms, and/or has population frequency not consistent with disease.

Breakthrough Genomics
Classification: Benign. Review status: criteria provided, single submitter. Criteria: ACMG Guidelines, 2015. Collection method: not provided. Allele origin: germline. Inheritance: Autosomal dominant inheritance. Affected: yes.

NM_001042492.3(NF1):c.61-123G>A

Gene: NF1 (neurofibromin 1; plus strand). Cytogenetic location: 17q11.2.
Variant type: single nucleotide variant.
Coding change: c.61-123G>A on transcript NM_001042492.3 (MANE Select); 123 bases into the intron before coding-DNA position 61, G replaced by A.
Molecular consequence: intron variant.
Genome position (GRCh38, 1-based): chr17:31,155,860, G>A. VCF-style: chr17-31155860-G-A. GRCh37 (hg19) VCF-style: chr17-29482878-G-A.
Other names: c.61-123G>A (NM_000267.4, NM_001128147.3).
Identifiers: ClinVar variation 561463 (VCV000561463.2), dbSNP rs2269855, ClinGen allele CA14447392.